The following is an entry in ClinVar:

NM_003072.5(SMARCA4):c.2438+1G>A

Gene: SMARCA4 (SWI/SNF related BAF chromatin remodeling complex subunit ATPase 4; plus strand). Cytogenetic location: 19p13.2.
Variant type: single nucleotide variant.
Coding change: c.2438+1G>A on transcript NM_003072.5 (MANE Select); the canonical splice donor site of the intron after coding-DNA position 2438, G replaced by A.
Molecular consequence: splice donor variant.
Genome position (GRCh38, 1-based): chr19:11,013,113, G>A. VCF-style: chr19-11013113-G-A. GRCh37 (hg19) VCF-style: chr19-11123789-G-A.
Other names: c.2438+1G>A (NM_001128844.3, NM_001128849.3, NM_001128847.4 and 6 more transcripts).
Identifiers: ClinVar variation 537781 (VCV000537781.9), dbSNP rs1555774786, ClinGen allele CA404053368.

ClinVar aggregate classification (germline): Pathogenic/Likely pathogenic. Review status: criteria provided, multiple submitters, no conflicts (2 of 4 stars). 2 submissions from 2 submitters: Pathogenic (1); Likely pathogenic (1). Last evaluated 2025-08-26.

Conditions:
Hereditary cancer-predisposing syndrome. Also called: Tumor predisposition; Hereditary Cancer Syndrome; Hereditary neoplastic syndrome; Neoplastic Syndromes, Hereditary. Identifiers: Orphanet 140162, MedGen C0027672, MeSH D009386, MONDO:0015356.
Rhabdoid tumor predisposition syndrome 2 (RTPS2). Identifiers: Orphanet 231108, Orphanet 69077, MedGen C2750074, MONDO:0013224, OMIM 613325.

Submissions (2):

Ambry Genetics
Classification: Likely pathogenic for Hereditary cancer-predisposing syndrome. Last evaluated: 2025-08-26. Review status: criteria provided, single submitter. Criteria: Ambry Variant Classification Scheme 2023. Collection method: clinical testing. Allele origin: germline.
Comment: The c.2438+1G>A intronic variant results from a G to A substitution one nucleotide after coding exon 15 of the SMARCA4 gene. Alterations that disrupt the canonical splice site are expected to cause aberrant splicing, resulting in an abnormal protein or a transcript that is subject to nonsense-mediated mRNA decay. This nucleotide position is highly conserved in available vertebrate species. In silico splice site analysis predicts that this alteration will weaken the native splice donor site; however, direct evidence is insufficient at this time (Ambry internal data). This variant is considered to be rare based on population cohorts in the Genome Aggregation Database (gnomAD). Loss-of-function variants in SMARCA4 are known to cause rhabdoid tumor predisposition syndrome including small cell carcinoma of the ovary-hypercalcemic type (SCCOHT); however, such associations with neurodevelopmental disorders are exceedingly rare (Kosho T et al. Am J Med Genet C Semin Med Genet. 2014 Sep;166C(3):262-75; Jelinic P et al. Nat Genet. 2014 May;46(5):424-6). Based on the supporting evidence, this alteration is likely pathogenic for rhabdoid tumor predisposition syndrome; however, the association of this alteration with Coffin-Siris syndrome is unlikely.

Labcorp Genetics (formerly Invitae), Labcorp
Classification: Pathogenic for Rhabdoid tumor predisposition syndrome 2. Last evaluated: 2025-07-17. Review status: criteria provided, single submitter. Criteria: Invitae Variant Classification Sherloc (09022015). Collection method: clinical testing. Allele origin: germline.
Comment: This sequence change affects a donor splice site in intron 16 of the SMARCA4 gene. It is expected to disrupt RNA splicing. Variants that disrupt the donor or acceptor splice site typically lead to a loss of protein function (PMID: 16199547), and loss-of-function variants in SMARCA4 are known to be pathogenic (PMID: 24658001, 24658002). This variant is not present in population databases (gnomAD no frequency). Disruption of this splice site has been observed in individual(s) with SMARCA4-related conditions (internal data). ClinVar contains an entry for this variant (Variation ID: 537781). Algorithms developed to predict the effect of sequence changes on RNA splicing suggest that this variant may disrupt the consensus splice site. For these reasons, this variant has been classified as Pathogenic.

Literature cited by the submitters: PubMed 16199547 (cited by Labcorp Genetics (formerly Invitae), Labcorp); PubMed 24658001 (cited by Labcorp Genetics (formerly Invitae), Labcorp); PubMed 24658002 (cited by Labcorp Genetics (formerly Invitae), Labcorp).